The following is an entry in ClinVar:

ClinVar aggregate classification (germline): Uncertain significance (1 of 4 stars; one submission).

Submission:

GeneDx
Classification: Uncertain significance. Last evaluated: 2019-12-17. Review status: criteria provided, single submitter. Criteria: GeneDx Variant Classification Process June 2021. Collection method: clinical testing. Allele origin: germline. Affected: yes.
Comment: Not observed in large population cohorts (Lek et al., 2016); In silico analysis, which includes protein predictors and evolutionary conservation, supports a deleterious effect; Has not been previously published as pathogenic or benign to our knowledge

NM_005932.4(MIPEP):c.422C>A (p.Ala141Asp)

Gene: MIPEP (mitochondrial intermediate peptidase; minus strand). Cytogenetic location: 13q12.12.
Variant type: single nucleotide variant.
Coding change: c.422C>A on transcript NM_005932.4 (MANE Select); coding-DNA position 422, C replaced by A.
Protein change: p.Ala141Asp; replaces alanine 141 with aspartic acid.
Molecular consequence: missense variant.
Genome position (GRCh38, 1-based): chr13:23,881,729, G>T on the plus strand (C>A on the coding strand, the complement: MIPEP is on the minus strand). VCF-style: chr13-23881729-G-T. GRCh37 (hg19) VCF-style: chr13-24455868-G-T.
Other names: short protein forms A141D.
Identifiers: ClinVar variation 1200591 (VCV001200591.3), dbSNP rs764333751, ClinGen allele CA387530361.